The following is an entry in ClinVar:

NM_000321.3(RB1):c.1412A>T (p.Gln471Leu)

Gene: RB1 (RB transcriptional corepressor 1; plus strand). Cytogenetic location: 13q14.2.
Variant type: single nucleotide variant.
Coding change: c.1412A>T on transcript NM_000321.3 (MANE Select); coding-DNA position 1412, A replaced by T.
Protein change: p.Gln471Leu; replaces glutamine 471 with leucine.
Molecular consequence: missense variant.
Genome position (GRCh38, 1-based): chr13:48,380,075, A>T. VCF-style: chr13-48380075-A-T. GRCh37 (hg19) VCF-style: chr13-48954211-A-T.
Other names: c.1412A>T, p.Gln471Leu (NM_001407165.1, NM_001407166.1); short protein forms Q471L.
Identifiers: ClinVar variation 1772063 (VCV001772063.2), dbSNP rs1948520103, ClinGen allele CA388162718.

ClinVar aggregate classification (germline): Uncertain significance (1 of 4 stars; one submission).

Conditions:
Hereditary cancer-predisposing syndrome. Also called: Hereditary Cancer Syndrome; Hereditary neoplastic syndrome; Neoplastic Syndromes, Hereditary; Tumor predisposition. Identifiers: Orphanet 140162, MedGen C0027672, MeSH D009386, MONDO:0015356.

Submission:

Ambry Genetics
Classification: Uncertain significance for Hereditary cancer-predisposing syndrome. Last evaluated: 2021-03-25. Review status: criteria provided, single submitter. Criteria: Ambry Variant Classification Scheme 2023. Collection method: clinical testing. Allele origin: germline.
Comment: The p.Q471L variant (also known as c.1412A>T), located in coding exon 15 of the RB1 gene, results from an A to T substitution at nucleotide position 1412. The glutamine at codon 471 is replaced by leucine, an amino acid with dissimilar properties. This amino acid position is highly conserved in available vertebrate species. In addition, the in silico prediction for this alteration is inconclusive. Since supporting evidence is limited at this time, the clinical significance of this alteration remains unclear.